The following is an entry in ClinVar:

ClinVar aggregate classification (germline): Likely benign. Review status: criteria provided, multiple submitters, no conflicts (2 of 4 stars). 3 submissions from 3 submitters: Likely benign (3). Last evaluated 2026-02-05.

Conditions:
COG7-related disorder. Also called: COG7-related condition.
COG7 congenital disorder of glycosylation (CDG2E). Also called: CONGENITAL DISORDER OF GLYCOSYLATION, TYPE IIe; CDG IIe. Identifiers: Orphanet 79333, MedGen C2931010, MONDO:0012118, OMIM 608779.

Allele frequency attached by ClinVar (database versions not stated): gnomAD 0.00006 and 0.00008; TOPMed 0.00010; ExAC 0.00012; gnomAD exomes 0.00015; 1000 Genomes Project 30x 0.00016; 1000 Genomes Project 0.00020; ESP Exome Variant Server 0.00023.
gnomAD v4.1: 113 of 1,614,212 alleles (0.007%); highest among the groups gnomAD compares: East Asian, 0.013%; no homozygotes.

Submissions (3):

PreventionGenetics, part of Exact Sciences
Classification: Likely benign for COG7-related condition. Last evaluated: 2026-02-05. Review status: criteria provided, single submitter. Criteria: ACMG Guidelines, 2015. Collection method: clinical testing. Allele origin: germline.
Comment: This variant is classified as likely benign based on ACMG/AMP sequence variant interpretation guidelines (Richards et al. 2015 PMID: 25741868, with internal and published modifications).

Labcorp Genetics (formerly Invitae), Labcorp
Classification: Likely benign for COG7 congenital disorder of glycosylation. Last evaluated: 2026-01-25. Review status: criteria provided, single submitter. Criteria: Invitae Variant Classification Sherloc (09022015). Collection method: clinical testing. Allele origin: germline.

Breakthrough Genomics
Classification: Likely benign. Review status: criteria provided, single submitter. Criteria: ACMG Guidelines, 2015. Collection method: not provided. Allele origin: germline. Inheritance: Autosomal recessive inheritance. Affected: yes.

NM_153603.4(COG7):c.921C>T (p.Pro307=)

Gene: COG7 (component of oligomeric golgi complex 7; minus strand). Cytogenetic location: 16p12.2.
Variant type: single nucleotide variant.
Coding change: c.921C>T on transcript NM_153603.4 (MANE Select); coding-DNA position 921, C replaced by T.
Protein change: p.Pro307=; no amino-acid change (proline 307 retained).
Molecular consequence: synonymous variant.
Genome position (GRCh38, 1-based): chr16:23,424,837, G>A on the plus strand (C>T on the coding strand, the complement: COG7 is on the minus strand). VCF-style: chr16-23424837-G-A. GRCh37 (hg19) VCF-style: chr16-23436158-G-A.
Other names: c.921C>T (NM_153603.3).
Identifiers: ClinVar variation 1673308 (VCV001673308.10), dbSNP rs115610955, ClinGen allele CA7961138.